The following is an entry in ClinVar:

ClinVar aggregate classification (germline): Uncertain significance (1 of 4 stars; one submission).

Conditions:
Aortic aneurysm, familial thoracic 4 (AAT4). Also called: AORTIC ANEURYSM/AORTIC DISSECTION AND PATENT DUCTUS ARTERIOSUS. Identifiers: MedGen C1851504, MONDO:0007568, OMIM 132900.

gnomAD v4.1: 1 of 1,614,050 alleles (0.000062%); highest among the groups gnomAD compares: Non-Finnish European, 0.000085%; no homozygotes.

Submission:

Labcorp Genetics (formerly Invitae), Labcorp
Classification: Uncertain significance for Aortic aneurysm, familial thoracic 4. Last evaluated: 2023-05-27. Review status: criteria provided, single submitter. Criteria: Invitae Variant Classification Sherloc (09022015). Collection method: clinical testing. Allele origin: germline.
Comment: This sequence change replaces arginine, which is basic and polar, with leucine, which is neutral and non-polar, at codon 456 of the MYH11 protein (p.Arg456Leu). This variant is not present in population databases (gnomAD no frequency). This variant has not been reported in the literature in individuals affected with MYH11-related conditions. ClinVar contains an entry for this variant (Variation ID: 1434349). Advanced modeling of protein sequence and biophysical properties (such as structural, functional, and spatial information, amino acid conservation, physicochemical variation, residue mobility, and thermodynamic stability) performed at Invitae indicates that this missense variant is not expected to disrupt MYH11 protein function. In summary, the available evidence is currently insufficient to determine the role of this variant in disease. Therefore, it has been classified as a Variant of Uncertain Significance.

NM_002474.3(MYH11):c.1346G>T (p.Arg449Leu)

Gene: MYH11 (myosin heavy chain 11; minus strand). Cytogenetic location: 16p13.11.
Variant type: single nucleotide variant.
Coding change: c.1346G>T on transcript NM_002474.3 (MANE Select); coding-DNA position 1346, G replaced by T.
Protein change: p.Arg449Leu; replaces arginine 449 with leucine.
Molecular consequence: missense variant.
Genome position (GRCh38, 1-based): chr16:15,759,631, C>A on the plus strand (G>T on the coding strand, the complement: MYH11 is on the minus strand). VCF-style: chr16-15759631-C-A. GRCh37 (hg19) VCF-style: chr16-15853488-C-A.
Other names: c.1367G>T, p.Arg456Leu (NM_001040113.2, NM_001040114.2); c.1346G>T, p.Arg449Leu (NM_022844.3); short protein forms R456L, R449L.
Identifiers: ClinVar variation 1434349 (VCV001434349.8), dbSNP rs775520228, ClinGen allele CA394872413.